The following is an entry in ClinVar:

ClinVar aggregate classification (germline): Likely benign (1 of 4 stars; one submission).

Conditions:
Hirschsprung disease, susceptibility to, 3. Identifiers: Orphanet 388, MedGen C3150974, MONDO:0013383, OMIM 613711.

Allele frequency attached by ClinVar (database versions not stated): 1000 Genomes Project 30x 0.00047; 1000 Genomes Project 0.00060; gnomAD 0.00131 and 0.00141; TOPMed 0.00160.

Submission:

Illumina Laboratory Services, Illumina
Classification: Likely benign for Hirschsprung disease, susceptibility to, 3. Last evaluated: 2018-01-12. Review status: criteria provided, single submitter. Criteria: ICSL Variant Classification Criteria 13 December 2019. Collection method: clinical testing. Allele origin: germline.
Comment: This variant was observed in the ICSL laboratory as part of a predisposition screen in an ostensibly healthy population. It had not been previously curated by ICSL or reported in the Human Gene Mutation Database (HGMD: prior to June 1st, 2018), and was therefore a candidate for classification through an automated scoring system. Utilizing variant allele frequency, disease prevalence and penetrance estimates, and inheritance mode, an automated score was calculated to assess if this variant is too frequent to cause the disease. Based on the score and internal cut-off values, a variant classified as likely benign is not then subjected to further curation. The score for this variant resulted in a classification of likely benign for this disease.

NM_000514.4(GDNF):c.*1782G>A

Gene: GDNF (glial cell derived neurotrophic factor; minus strand). Cytogenetic location: 5p13.2.
Variant type: single nucleotide variant.
Coding change: c.*1782G>A on transcript NM_000514.4 (MANE Select); 1782 bases downstream of the stop codon, G replaced by A.
Molecular consequence: 3 prime UTR variant.
Genome position (GRCh38, 1-based): chr5:37,813,869, C>T on the plus strand (G>A on the coding strand, the complement: GDNF is on the minus strand). VCF-style: chr5-37813869-C-T. GRCh37 (hg19) VCF-style: chr5-37813971-C-T.
Other names: c.*1782G>A (NM_001190468.1, NM_001190469.1, NM_001278098.1 and 1 more transcripts).
Identifiers: ClinVar variation 904776 (VCV000904776.4), dbSNP rs147083416, ClinGen allele CA117492866.
Genomic context (GRCh38, chr5:37,813,869, plus strand): 5'-CACCTTGGCTTTCCAAAGTGTTGGGATTATGGGTGTGAGCCGCTGCACTGGCCCCGACCA[C>T]CTTCATTTAAAGGCAGCACGCTCCTAAGTATGAGGCTCCATGTGTGTGGCTGTGGCTGGT-3'